The following is an entry in ClinVar:

ClinVar aggregate classification (germline): Likely pathogenic (0 of 4 stars; one submission).

Conditions:
CLTC-related disorder. Also called: CLTC-related condition.

Submission:

PreventionGenetics, part of Exact Sciences
Classification: Likely pathogenic for CLTC-related condition. Last evaluated: 2024-02-02. Review status: no assertion criteria provided. Collection method: clinical testing. Allele origin: germline.
Comment: The CLTC c.409G>T variant is predicted to result in premature protein termination (p.Glu137*). To our knowledge, this variant has not been reported in the literature or in a large population database, indicating this variant is rare. Nonsense variants in CLTC are expected to be pathogenic. This variant is interpreted as likely pathogenic.

NM_004859.4(CLTC):c.397G>T (p.Glu133Ter)

Gene: CLTC (clathrin heavy chain; plus strand). Cytogenetic location: 17q23.1.
Variant type: single nucleotide variant.
Coding change: c.397G>T on transcript NM_004859.4 (MANE Select); coding-DNA position 397, G replaced by T.
Protein change: p.Glu133Ter; replaces glutamic acid 133 with a stop codon.
Molecular consequence: nonsense.
Genome position (GRCh38, 1-based): chr17:59,647,544, G>T. VCF-style: chr17-59647544-G-T. GRCh37 (hg19) VCF-style: chr17-57724905-G-T.
Other names: c.409G>T, p.Glu137Ter (NM_001288653.2); short protein forms E133*, E137*.
Identifiers: ClinVar variation 3030403 (VCV003030403.2), dbSNP rs2509361452, ClinGen allele CA400420055.
Genomic context (GRCh38, chr17:59,647,544, plus strand): 5'-TGGATCTCTTTGAATACGGTTGCTCTTGTTACGGATAATGCAGTTTATCACTGGAGTATG[G>T]AAGGAGAGTCTCAGCCAGTGAAAATGTTTGATCGCCATTCTAGCCTTGCAGGGTGCCAGA-3'